The following is an entry in ClinVar:

NM_022765.4(MICAL1):c.2443C>T (p.Arg815Trp)

Gene: MICAL1 (microtubule associated monooxygenase, calponin and LIM domain containing 1; minus strand). Cytogenetic location: 6q21.
Variant type: single nucleotide variant.
Coding change: c.2443C>T on transcript NM_022765.4 (MANE Select); coding-DNA position 2443, C replaced by T.
Protein change: p.Arg815Trp; replaces arginine 815 with tryptophan.
Molecular consequence: missense variant.
Genome position (GRCh38, 1-based): chr6:109,446,274, G>A on the plus strand (C>T on the coding strand, the complement: MICAL1 is on the minus strand). VCF-style: chr6-109446274-G-A. GRCh37 (hg19) VCF-style: chr6-109767477-G-A.
Other names: c.2443C>T (NM_022765.3); c.2185C>T, p.Arg729Trp (NM_001159291.2); c.2500C>T, p.Arg834Trp (NM_001286613.2); short protein forms R729W, R815W, R834W.
Identifiers: ClinVar variation 2081265 (VCV002081265.5), dbSNP rs529623333, ClinGen allele CA3952894.

ClinVar aggregate classification (germline): Uncertain significance. Review status: criteria provided, multiple submitters, no conflicts (2 of 4 stars). 2 submissions from 2 submitters: Uncertain significance (2). Last evaluated 2025-10-06.

Allele frequency attached by ClinVar (database versions not stated): gnomAD exomes 0.00001; ExAC 0.00002; TOPMed 0.00003; gnomAD 0.00006; 1000 Genomes Project 30x 0.00031; 1000 Genomes Project 0.00040.
gnomAD v4.1: 24 of 1,613,756 alleles (0.0015%); highest among the groups gnomAD compares: African/African-American, 0.011%; no homozygotes.

Submissions (2):

Labcorp Genetics (formerly Invitae), Labcorp
Classification: Uncertain significance. Last evaluated: 2025-10-06. Review status: criteria provided, single submitter. Criteria: Invitae Variant Classification Sherloc (09022015). Collection method: clinical testing. Allele origin: germline.
Comment: This sequence change replaces arginine, which is basic and polar, with tryptophan, which is neutral and slightly polar, at codon 834 of the MICAL1 protein (p.Arg834Trp). This variant is present in population databases (rs529623333, gnomAD 0.02%). This variant has not been reported in the literature in individuals affected with MICAL1-related conditions. ClinVar contains an entry for this variant (Variation ID: 2081265). An algorithm developed to predict the effect of missense changes on protein structure and function outputs the following: PolyPhen-2: "Benign". The tryptophan amino acid residue is found in multiple mammalian species, which suggests that this missense change does not adversely affect protein function. In summary, the available evidence is currently insufficient to determine the role of this variant in disease. Therefore, it has been classified as a Variant of Uncertain Significance.

Ambry Genetics
Classification: Uncertain significance. Last evaluated: 2023-10-10. Review status: criteria provided, single submitter. Criteria: Ambry Variant Classification Scheme 2023. Collection method: clinical testing. Allele origin: germline.